The following is an entry in ClinVar:

ClinVar aggregate classification (germline): Uncertain significance (1 of 4 stars; one submission).

Conditions:
Perlman syndrome (PRLMNS). Identifiers: Orphanet 2849, MedGen C0796113, MONDO:0009965, OMIM 267000.

Allele frequency attached by ClinVar (database versions not stated): TOPMed below 0.00001.

Submission:

Labcorp Genetics (formerly Invitae), Labcorp
Classification: Uncertain significance for Perlman syndrome. Last evaluated: 2023-02-21. Review status: criteria provided, single submitter. Criteria: Invitae Variant Classification Sherloc (09022015). Collection method: clinical testing. Allele origin: germline.
Comment: In summary, the available evidence is currently insufficient to determine the role of this variant in disease. Therefore, it has been classified as a Variant of Uncertain Significance. An algorithm developed to predict the effect of missense changes on protein structure and function (PolyPhen-2) suggests that this variant is likely to be tolerated. This variant has not been reported in the literature in individuals affected with DIS3L2-related conditions. This variant is not present in population databases (gnomAD no frequency). This sequence change replaces aspartic acid, which is acidic and polar, with glycine, which is neutral and non-polar, at codon 160 of the DIS3L2 protein (p.Asp160Gly).

NM_152383.5(DIS3L2):c.479A>G (p.Asp160Gly)

Gene: DIS3L2 (DIS3 like 3'-5' exoribonuclease 2; plus strand). Cytogenetic location: 2q37.1.
Variant type: single nucleotide variant.
Coding change: c.479A>G on transcript NM_152383.5 (MANE Select); coding-DNA position 479, A replaced by G.
Protein change: p.Asp160Gly; replaces aspartic acid 160 with glycine.
Molecular consequence: missense variant. On other transcripts: non-coding transcript variant (2).
Genome position (GRCh38, 1-based): chr2:232,087,599, A>G. VCF-style: chr2-232087599-A-G. GRCh37 (hg19) VCF-style: chr2-232952309-A-G.
Other names: c.479A>G, p.Asp160Gly (NM_001257281.2, NM_001257282.2); short protein forms D160G.
Identifiers: ClinVar variation 2797427 (VCV002797427.3), dbSNP rs1384650329, ClinGen allele CA351155066.